The following is an entry in ClinVar:

ClinVar aggregate classification (germline): Uncertain significance (1 of 4 stars; one submission).

Submission:

Women's Health and Genetics/Laboratory Corporation of America, LabCorp
Classification: Uncertain significance. Last evaluated: 2026-02-23. Review status: criteria provided, single submitter. Criteria: LabCorp Variant Classification Summary - May 2015. Collection method: clinical testing. Allele origin: germline.
Comment: Variant summary: PKD1 c.7394T>C (p.Leu2465Pro) results in a non-conservative amino acid change in the encoded protein sequence. Algorithms developed to predict the effect of missense changes on protein structure and function all suggest that this variant is likely to be disruptive. The variant was absent in 219300 control chromosomes. The available data on variant occurrences in the general population are insufficient to allow any conclusion about variant significance. c.7394T>C has been observed in an individual affected with polycystic liver disease (Sierks_2022). This report does not provide unequivocal conclusions about association of the variant with PKD1-related conditions. To our knowledge, no experimental evidence demonstrating an impact on protein function has been reported. The following publication has been ascertained in the context of this evaluation (PMID: 36246085). No submitters have cited clinical-significance assessments for this variant to ClinVar. Based on the evidence outlined above, the variant was classified as uncertain significance.

Literature cited by the submitters: PubMed 36246085.

NM_001009944.3(PKD1):c.7394T>C (p.Leu2465Pro)

Gene: PKD1 (polycystin 1, transient receptor potential channel interacting; minus strand). Cytogenetic location: 16p13.3.
Variant type: single nucleotide variant.
Coding change: c.7394T>C on transcript NM_001009944.3 (MANE Select); coding-DNA position 7394, T replaced by C.
Protein change: p.Leu2465Pro; replaces leucine 2465 with proline.
Molecular consequence: missense variant.
Genome position (GRCh38, 1-based): chr16:2,106,493, A>G on the plus strand (T>C on the coding strand, the complement: PKD1 is on the minus strand). VCF-style: chr16-2106493-A-G. GRCh37 (hg19) VCF-style: chr16-2156494-A-G.
Other names: c.7394T>C, p.Leu2465Pro (NM_000296.4); short protein forms L2465P.
Identifiers: ClinVar variation 4848180 (VCV004848180.1).
Genomic context (GRCh38, chr16:2,106,493, plus strand): 5'-TGCACAGCGCCCAGTGGGAAGAGGCGGCAAGAGCCCCCCAGCGGCGGGCGGTTGGGGGAC[A>G]GGCGGATGGAGGCGCAGCCCTCCTCCTCGCCAGAGCGGCCCAGCACCGTGAGCGTGAAGG-3'
Protein context (NP_001009944.3, residues 2455-2475): GEEEGCASIR[Leu2465Pro]SPNRPPLGGS